The following is an entry in ClinVar:

ClinVar aggregate classification (germline): Pathogenic. Review status: criteria provided, multiple submitters, no conflicts (2 of 4 stars). 4 submissions from 4 submitters: Pathogenic (2). 2 of the submissions do not count toward it. Last evaluated 2024-05-15.

Conditions:
Epidermolysis bullosa, junctional 3A, intermediate. Also called: EPIDERMOLYSIS BULLOSA, JUNCTIONAL 3A, GENERALIZED INTERMEDIATE; EPIDERMOLYSIS BULLOSA, JUNCTIONAL 3A, NON-HERLITZ TYPE. Identifiers: MedGen C5676938, MONDO:0030748, OMIM 619785.
Epidermolysis bullosa, junctional 3B, severe. Also called: EPIDERMOLYSIS BULLOSA, JUNCTIONAL 3B, GENERALIZED SEVERE; EPIDERMOLYSIS BULLOSA, JUNCTIONAL 3B, HERLITZ TYPE. Identifiers: MedGen C5676939, MONDO:0030749, OMIM 619786.
Junctional epidermolysis bullosa gravis of Herlitz. Also called: EPIDERMOLYSIS BULLOSA JUNCTIONALIS, HERLITZ TYPE; EPIDERMOLYSIS BULLOSA, JUNCTIONAL, HERLITZ-PEARSON TYPE; EPIDERMOLYSIS BULLOSA, JUNCTIONAL 1B, SEVERE; Herlitz-type junctional epidermolysis bullosa; JEB-HERLITZ TYPE; Epidermolysis Bullosa Letalis. Identifiers: Orphanet 79404, MedGen C0079683, MONDO:0009182, OMIM 226700.

gnomAD v4.1: 1 of 1,578,598 alleles (0.000063%); highest among the groups gnomAD compares: Non-Finnish European, 0.000087%; no homozygotes.

Submissions (4):

Fulgent Genetics
Classification: Pathogenic for Epidermolysis bullosa, junctional 3A, intermediate; Epidermolysis bullosa, junctional 3B, severe. Last evaluated: 2024-05-15. Review status: criteria provided, single submitter. Criteria: ACMG Guidelines, 2015. Collection method: clinical testing. Allele origin: germline.

Women's Health and Genetics/Laboratory Corporation of America, LabCorp
Classification: Pathogenic for Junctional epidermolysis bullosa gravis of Herlitz. Last evaluated: 2019-05-10. Review status: criteria provided, single submitter. Criteria: LabCorp Variant Classification Summary - May 2015. Collection method: clinical testing. Allele origin: germline.
Comment: Variant summary: LAMC2 c.1065C>G (p.Tyr355X) results in a premature termination codon, predicted to cause a truncation of the encoded protein or absence of the protein due to nonsense mediated decay, which are commonly known mechanisms for disease. The variant was absent in 251430 control chromosomes (gnomAD). c.1065C>G has been reported in the literature in multiple homozygous individuals affected with Junctional Epidermolysis Bullosa from Italy (Baudoin_1994, Castori_2008). These data indicate that the variant is very likely to be associated with disease. To our knowledge, no experimental evidence demonstrating an impact on protein function has been reported. A ClinVar submission from a clinical diagnostic laboratory (evaluation after 2014) cites the variant as likely pathogenic. Based on the evidence outlined above, the variant was classified as pathogenic.

Counsyl
Classification: Likely pathogenic for Junctional epidermolysis bullosa gravis of Herlitz. Last evaluated: 2016-03-18. Review status: no assertion criteria provided. Collection method: clinical testing. Allele origin: unknown. Not counted in ClinVar's aggregate classification.

OMIM
Classification: Pathogenic for EPIDERMOLYSIS BULLOSA, JUNCTIONAL 3B, SEVERE. Last evaluated: 1994-10-01. Review status: no assertion criteria provided. Collection method: literature only. Allele origin: germline. Not counted in ClinVar's aggregate classification.

Literature cited by the submitters: PubMed 17916201 (cited by Women's Health and Genetics/Laboratory Corporation of America, LabCorp); PubMed 7849725 (cited by 3 submitters).

NM_005562.3(LAMC2):c.1065C>G (p.Tyr355Ter)

Gene: LAMC2 (laminin subunit gamma 2; plus strand). Cytogenetic location: 1q25.3.
Variant type: single nucleotide variant.
Coding change: c.1065C>G on transcript NM_005562.3 (MANE Select); coding-DNA position 1065, C replaced by G.
Protein change: p.Tyr355Ter; replaces tyrosine 355 with a stop codon.
Molecular consequence: nonsense.
Genome position (GRCh38, 1-based): chr1:183,225,719, C>G. VCF-style: chr1-183225719-C-G. GRCh37 (hg19) VCF-style: chr1-183194854-C-G.
Other names: c.1065C>G, p.Tyr355Ter (NM_018891.3); short protein forms Y355*.
Identifiers: ClinVar variation 14556 (VCV000014556.6), dbSNP rs118203899, ClinGen allele CA257289.